The following is an entry in ClinVar:

ClinVar aggregate classification (germline): Uncertain significance (1 of 4 stars; one submission).

Conditions:
Epidermodysplasia verruciformis. Identifiers: Orphanet 302, MedGen C0014522, MONDO:0009176.

Allele frequency attached by ClinVar (database versions not stated): gnomAD 0.00001; gnomAD exomes 0.00002; ExAC 0.00004.
gnomAD v4.1: 13 of 1,591,798 alleles (0.00082%); highest among the groups gnomAD compares: Admixed American, 0.0071%; no homozygotes.

Submission:

Labcorp Genetics (formerly Invitae), Labcorp
Classification: Uncertain significance for Epidermodysplasia verruciformis. Last evaluated: 2020-04-23. Review status: criteria provided, single submitter. Criteria: Invitae Variant Classification Sherloc (09022015). Collection method: clinical testing. Allele origin: germline.
Comment: In summary, the available evidence is currently insufficient to determine the role of this variant in disease. Therefore, it has been classified as a Variant of Uncertain Significance. Algorithms developed to predict the effect of missense changes on protein structure and function output the following: SIFT: "Not Available"; PolyPhen-2: "Benign"; Align-GVGD: "Not Available". The histidine amino acid residue is found in multiple mammalian species, suggesting that this missense change does not adversely affect protein function. These predictions have not been confirmed by published functional studies and their clinical significance is uncertain. This variant has not been reported in the literature in individuals with TMC6-related conditions. This variant is present in population databases (rs748531251, ExAC 0.03%). This sequence change replaces arginine with histidine at codon 231 of the TMC6 protein (p.Arg231His). The arginine residue is weakly conserved and there is a small physicochemical difference between arginine and histidine.

NM_001127198.5(TMC6):c.692G>A (p.Arg231His)

Gene: TMC6 (transmembrane channel like 6; minus strand). Cytogenetic location: 17q25.3.
Variant type: single nucleotide variant.
Coding change: c.692G>A on transcript NM_001127198.5 (MANE Select); coding-DNA position 692, G replaced by A.
Protein change: p.Arg231His; replaces arginine 231 with histidine.
Molecular consequence: missense variant.
Genome position (GRCh38, 1-based): chr17:78,124,723, C>T on the plus strand (G>A on the coding strand, the complement: TMC6 is on the minus strand). VCF-style: chr17-78124723-C-T. GRCh37 (hg19) VCF-style: chr17-76120804-C-T.
Other names: c.692G>A, p.Arg231His (NM_001321185.1, NM_001374593.1, NM_001374594.1 and 4 more transcripts); short protein forms R231H.
Identifiers: ClinVar variation 1020523 (VCV001020523.7), dbSNP rs748531251, ClinGen allele CA8796029.